The following is an entry in ClinVar:

NM_000268.4(NF2):c.-60del

Genes: NF2 (NF2, moesin-ezrin-radixin like (MERLIN) tumor suppressor; plus strand), LOC130067184 (ATAC-STARR-seq lymphoblastoid silent region 13595; plus strand). Cytogenetic location: 22q12.2.
Variant type: Deletion.
Coding change: c.-60del on transcript NM_000268.4 (MANE Select); 60 bases upstream of the start codon, one base deleted (G; older notation c.-60delG).
Molecular consequence: 5 prime UTR variant. On other transcripts: non-coding transcript variant (1).
Genome position (GRCh38, 1-based): chr22:29,603,939, G deleted; the last of 6 consecutive G bases (chr22:29,603,934-29,603,939); deleting any one gives the same sequence. VCF-style (leftmost placement, unchanged base first): chr22-29603933-AG-A. GRCh37 (hg19) VCF-style: chr22-29999922-AG-A.
Other names: c.-290del (NM_001407053.1, NM_001407056.1); c.-60del (NM_001407054.1, NM_001407055.1, NM_001407057.1 and 15 more transcripts); c.-700del (NM_001407065.1); c.-316del (NM_001407067.1).
Identifiers: ClinVar variation 2704605 (VCV002704605.3), dbSNP rs1300486451, ClinGen allele CA752278392.

ClinVar aggregate classification (germline): Uncertain significance (1 of 4 stars; one submission).

Conditions:
Neurofibromatosis, type 2 (SWNV). Also called: BILATERAL ACOUSTIC NEUROFIBROMATOSIS; SCHWANNOMATOSIS, VESTIBULAR; NF2-Related Schwannomatosis. Identifiers: Orphanet 637, MedGen C0027832, MONDO:0007039, OMIM 101000. Disease mechanism: loss of function.

Submission:

Labcorp Genetics (formerly Invitae), Labcorp
Classification: Uncertain significance for Neurofibromatosis, type 2. Last evaluated: 2025-04-20. Review status: criteria provided, single submitter. Criteria: Invitae Variant Classification Sherloc (09022015). Collection method: clinical testing. Allele origin: germline.
Comment: This variant occurs in a non-coding region of the NF2 gene. It does not change the encoded amino acid sequence of the NF2 protein. This variant is not present in population databases (gnomAD no frequency). This variant has not been reported in the literature in individuals affected with NF2-related conditions. ClinVar contains an entry for this variant (Variation ID: 2704605). Experimental studies and prediction algorithms are not available or were not evaluated, and the functional significance of this variant is currently unknown. In summary, the available evidence is currently insufficient to determine the role of this variant in disease. Therefore, it has been classified as a Variant of Uncertain Significance.